The following is an entry in ClinVar:

NM_001267550.2(TTN):c.29658T>G (p.Leu9886=)

Gene: TTN (titin; minus strand). Cytogenetic location: 2q31.2.
Variant type: single nucleotide variant.
Coding change: c.29658T>G on transcript NM_001267550.2 (MANE Select); coding-DNA position 29658, T replaced by G.
Protein change: p.Leu9886=; no amino-acid change (leucine 9886 retained).
Molecular consequence: synonymous variant. On other transcripts: intron variant (3).
Genome position (GRCh38, 1-based): chr2:178,704,913, A>C on the plus strand (T>G on the coding strand, the complement: TTN is on the minus strand). VCF-style: chr2-178704913-A-C. GRCh37 (hg19) VCF-style: chr2-179569640-A-C.
Other names: c.29658T>G (NM_001267550.1); c.28707T>G, p.Leu9569= (NM_001256850.1); c.25926T>G, p.Leu8642= (NM_133378.4); c.13282+33169T>G (NM_003319.4); c.13858+33169T>G (NM_133437.4); c.13657+33169T>G (NM_133432.3).
Identifiers: ClinVar variation 497333 (VCV000497333.16), dbSNP rs372392376, ClinGen allele CA1999333.

ClinVar aggregate classification (germline): Conflicting classifications of pathogenicity. Review status: criteria provided, conflicting classifications (1 of 4 stars). 3 submissions from 3 submitters: Uncertain significance (1); Likely benign (2). Last evaluated 2025-12-11.

Conditions:
Dilated cardiomyopathy 1G (CMD1G). Identifiers: Orphanet 154, MedGen C1858763, MONDO:0011400, OMIM 604145.
Autosomal recessive limb-girdle muscular dystrophy type 2J (LGMDR10). Also called: MUSCULAR DYSTROPHY, LIMB-GIRDLE, AUTOSOMAL RECESSIVE 10; Limb-girdle muscular dystrophy, type 2J. Identifiers: Orphanet 140922, MedGen C1837342, MONDO:0012127, OMIM 608807.

Allele frequency attached by ClinVar (database versions not stated): gnomAD exomes 0.00001; ExAC 0.00002; gnomAD 0.00003 and 0.00004; TOPMed 0.00004; ESP Exome Variant Server 0.00008.
gnomAD v4.1: 76 of 1,613,318 alleles (0.0047%); highest among the groups gnomAD compares: Non-Finnish European, 0.0063%; no homozygotes.

Submissions (3):

Labcorp Genetics (formerly Invitae), Labcorp
Classification: Likely benign for Dilated cardiomyopathy 1G; Autosomal recessive limb-girdle muscular dystrophy type 2J. Last evaluated: 2025-12-11. Review status: criteria provided, single submitter. Criteria: Invitae Variant Classification Sherloc (09022015). Collection method: clinical testing. Allele origin: germline.

Athena Diagnostics
Classification: Likely benign. Last evaluated: 2025-05-29. Review status: criteria provided, single submitter. Criteria: Athena Diagnostics Criteria. Collection method: clinical testing. Allele origin: unknown.
Comment: Computational tools yielded predictions that this variant is unlikely to have an effect on normal RNA splicing. This nucleotide position exhibits low evolutionary conservation.

Eurofins Ntd Llc (ga)
Classification: Uncertain significance. Last evaluated: 2017-04-04. Review status: criteria provided, single submitter. Criteria: EGL Classification Definitions 2015. Collection method: clinical testing. Allele origin: germline. Observed: 2 variant alleles, 2 heterozygotes.